The following is an entry in ClinVar:

NM_005027.4(PIK3R2):c.107C>T (p.Ala36Val)

Gene: PIK3R2 (phosphoinositide-3-kinase regulatory subunit 2; plus strand). Cytogenetic location: 19p13.11.
Variant type: single nucleotide variant.
Coding change: c.107C>T on transcript NM_005027.4 (MANE Select); coding-DNA position 107, C replaced by T.
Protein change: p.Ala36Val; replaces alanine 36 with valine.
Molecular consequence: missense variant. On other transcripts: non-coding transcript variant (2).
Genome position (GRCh38, 1-based): chr19:18,155,986, C>T. VCF-style: chr19-18155986-C-T. GRCh37 (hg19) VCF-style: chr19-18266796-C-T.
Other names: short protein forms A36V.
Identifiers: ClinVar variation 859412 (VCV000859412.12), dbSNP rs768075445, ClinGen allele CA306163931.

ClinVar aggregate classification (germline): Conflicting classifications of pathogenicity. Review status: criteria provided, conflicting classifications (1 of 4 stars). 2 submissions from 2 submitters: Uncertain significance (1); Likely benign (1). Last evaluated 2022-02-04.

Conditions:
Megalencephaly-polymicrogyria-postaxial polydactyly-hydrocephalus syndrome. Also called: MEG-PMG-MEGACC SYNDROME; MPPH Syndrome. Identifiers: Orphanet 83473, MedGen C1863924, MONDO:0019375.
Intellectual disability. Also called: Intellectual developmental disorder; Intellectual functioning disability; intellectual disabilities. Identifiers: MedGen C3714756, MeSH D008607, MONDO:0001071, HP:0001249.

Allele frequency attached by ClinVar (database versions not stated): gnomAD exomes 0.00001; gnomAD 0.00005 and 0.00004; TOPMed 0.00005.
gnomAD v4.1: 23 of 1,561,104 alleles (0.0015%); highest among the groups gnomAD compares: African/African-American, 0.0041%; no homozygotes.

Submissions (2):

Labcorp Genetics (formerly Invitae), Labcorp
Classification: Uncertain significance for Megalencephaly-polymicrogyria-postaxial polydactyly-hydrocephalus syndrome. Last evaluated: 2022-02-04. Review status: criteria provided, single submitter. Criteria: Invitae Variant Classification Sherloc (09022015). Collection method: clinical testing. Allele origin: germline.
Comment: In summary, the available evidence is currently insufficient to determine the role of this variant in disease. Therefore, it has been classified as a Variant of Uncertain Significance. Advanced modeling of protein sequence and biophysical properties (such as structural, functional, and spatial information, amino acid conservation, physicochemical variation, residue mobility, and thermodynamic stability) performed at Invitae indicates that this missense variant is not expected to disrupt PIK3R2 protein function. ClinVar contains an entry for this variant (Variation ID: 859412). This variant has not been reported in the literature in individuals affected with PIK3R2-related conditions. The frequency data for this variant in the population databases is considered unreliable, as metrics indicate poor data quality at this position in the gnomAD database. This sequence change replaces alanine, which is neutral and non-polar, with valine, which is neutral and non-polar, at codon 36 of the PIK3R2 protein (p.Ala36Val).

Cambridge Genomics Laboratory, East Genomic Laboratory Hub, NHS Genomic Medicine Service
Classification: Likely benign for Intellectual disability. Last evaluated: 2020-06-18. Review status: criteria provided, single submitter. Criteria: ACGS Best Practice Guidelines for Variant Classification in Rare Disease 2020. Collection method: clinical testing. Allele origin: germline. Affected: yes. Observed: 1 variant allele.